The following is an entry in ClinVar:

ClinVar aggregate classification (germline): Pathogenic (1 of 4 stars; one submission).

Submission:

Labcorp Genetics (formerly Invitae), Labcorp
Classification: Pathogenic. Last evaluated: 2025-02-25. Review status: criteria provided, single submitter. Criteria: Invitae Variant Classification Sherloc (09022015). Collection method: clinical testing. Allele origin: germline.
Comment: This sequence change creates a premature translational stop signal (p.Asp52Tyrfs*6) in the UBE3B gene. It is expected to result in an absent or disrupted protein product. Loss-of-function variants in UBE3B are known to be pathogenic (PMID: 23687348, 24615390). This variant is not present in population databases (gnomAD no frequency). This variant has not been reported in the literature in individuals affected with UBE3B-related conditions. For these reasons, this variant has been classified as Pathogenic.

Literature cited by the submitters: PubMed 23687348; PubMed 24615390.

NM_130466.4(UBE3B):c.154_155del (p.Asp52fs)

Gene: UBE3B (ubiquitin protein ligase E3B; plus strand). Cytogenetic location: 12q24.11.
Variant type: Microsatellite.
Coding change: c.154_155del on transcript NM_130466.4 (MANE Select); coding-DNA positions 154 to 155, 2 bases deleted (GA; older notation c.154_155delGA).
Protein change: p.Asp52fs; shifts the reading frame from aspartic acid 52.
Molecular consequence: frameshift variant.
Genome position (GRCh38, 1-based): chr12:109,483,705-109,483,706, GA deleted; deleting any 2 consecutive bases within chr12:109,483,700-109,483,706 gives the same sequence; the c. name uses the placement nearest the transcript's 3' end. VCF-style (leftmost placement, unchanged base first): chr12-109483699-CAG-C. GRCh37 (hg19) VCF-style: chr12-109921504-CAG-C.
Other names: c.154_155del, p.Asp52fs (NM_001270449.2, NM_001270450.2, NM_001270451.2 and 1 more transcripts); short protein forms D52fs.
Identifiers: ClinVar variation 4713791 (VCV004713791.1).